The following is an entry in ClinVar:

NM_001042492.3(NF1):c.1642-13_1642-12del

Gene: NF1 (neurofibromin 1; plus strand). Cytogenetic location: 17q11.2.
Variant type: Deletion.
Coding change: c.1642-13_1642-12del on transcript NM_001042492.3 (MANE Select); 13 bases into the intron before coding-DNA position 1642 through 12 bases into the intron before coding-DNA position 1642, 2 bases deleted (TT; older notation c.1642-13_1642-12delTT).
Molecular consequence: intron variant.
Genome position (GRCh38, 1-based): chr17:31,221,837-31,221,838, TT deleted; deleting any 2 consecutive bases within chr17:31,221,833-31,221,838 gives the same sequence; the c. name uses the placement nearest the transcript's 3' end. VCF-style (leftmost placement, unchanged base first): chr17-31221832-CTT-C. GRCh37 (hg19) VCF-style: chr17-29548850-CTT-C.
Other names: c.1642-13_1642-12del (NM_000267.4, NM_001128147.3).
Identifiers: ClinVar variation 2741589 (VCV002741589.5), dbSNP rs2144003305, ClinGen allele CA2697559702.

ClinVar aggregate classification (germline): Conflicting classifications of pathogenicity. Review status: criteria provided, conflicting classifications (1 of 4 stars). 3 submissions from 3 submitters: Uncertain significance (1); Likely benign (2). Last evaluated 2026-09-22.

Conditions:
Neurofibromatosis, type 1 (NF1). Also called: VON RECKLINGHAUSEN DISEASE; NEUROFIBROMATOSIS, TYPE I, SOMATIC; Peripheral type neurofibromatosis; Neurofibromatosis, type I. Identifiers: Orphanet 636, MedGen C0027831, MONDO:0018975, OMIM 162200. Disease mechanism: loss of function.

Submissions (3):

Myriad Genetics, Inc.
Classification: Likely benign for Neurofibromatosis, type 1. Last evaluated: 2026-09-22. Review status: criteria provided, single submitter. Criteria: Myriad Autosomal Dominant, Autosomal Recessive and X-Linked Classification Criteria (2023). Collection method: clinical testing. Allele origin: unknown.
Comment: This variant is considered likely benign. This variant is intronic and is not expected to impact mRNA splicing.

Labcorp Genetics (formerly Invitae), Labcorp
Classification: Likely benign for Neurofibromatosis, type 1. Last evaluated: 2025-12-13. Review status: criteria provided, single submitter. Criteria: Invitae Variant Classification Sherloc (09022015). Collection method: clinical testing. Allele origin: germline.

GeneDx
Classification: Uncertain significance. Last evaluated: 2025-02-21. Review status: criteria provided, single submitter. Criteria: GeneDx Variant Classification Process June 2021. Collection method: clinical testing. Allele origin: germline. Affected: yes.
Comment: Not observed at significant frequency in large population cohorts (gnomAD); Has not been previously published as pathogenic or benign to our knowledge; In silico analysis is inconclusive as to whether the variant alters gene splicing. In the absence of RNA/functional studies, the actual effect of this sequence change is unknown.